The following is an entry in ClinVar:

NC_000009.12:g.13205110_13205111insTTTTTTTTTTTTTTTTTTTTNNNNNNNNNNAGGGAGACGGGAGAGGGAGAGGGAGACGGGAGAGGGAGAGGGAGACGGGAGAGCCTACTTTTAGTTCTTTCCATAATTTTCTT

Gene: MPDZ (multiple PDZ domain crumbs cell polarity complex component; minus strand). Cytogenetic location: 9p23.
Variant type: Insertion.
Genome position: GRCh38: chr9:13,205,110-13,205,111. GRCh37 (hg19): chr9:13,205,109-13,205,110.
Identifiers: ClinVar variation 4716263 (VCV004716263.1).

ClinVar aggregate classification (germline): Pathogenic (1 of 4 stars; one submission).

Submission:

Labcorp Genetics (formerly Invitae), Labcorp
Classification: Pathogenic. Last evaluated: 2025-03-29. Review status: criteria provided, single submitter. Criteria: Invitae Variant Classification Sherloc (09022015). Collection method: clinical testing. Allele origin: germline.
Comment: This sequence change inserts a large fragment of DNA, likely a transposable element, in exon 12 of the MPDZ gene (c.1483_1484ins?), causing a frameshift at codon 495 (p.Glu495fs). The exact size and sequence of the insertion cannot be determined by the current assay. However, the insertion is expected to result in an absent or disrupted protein product. This variant is not present in population databases (gnomAD no frequency). This variant has not been reported in the literature in individuals affected with MPDZ-related conditions. Retrotransposon insertions including LINE1 (L1), Alu, and SVA (SINE-VNTR-Alu) have been reported to be disease-causing through disruption of either a coding region or splice site (PMID: 19763152, 20307669, 22406018) and loss-of-function variants in MPDZ are known to be pathogenic (PMID: 23240096, 28556411). For these reasons, this variant has been classified as Pathogenic.

Literature cited by the submitters: PubMed 19763152; PubMed 20307669; PubMed 22406018; PubMed 23240096; PubMed 28556411.